The following is an entry in ClinVar:

ClinVar aggregate classification (germline): Uncertain significance (1 of 4 stars; one submission).

Conditions:
Neuropathy, hereditary sensory and autonomic, type 1C. Also called: HSAN IC; HSN IC. Identifiers: Orphanet 36386, MedGen C3150896, MONDO:0013337, OMIM 613640.

gnomAD v4.1: 2 of 1,521,570 alleles (0.00013%); highest among the groups gnomAD compares: African/African-American, 0.0028%; no homozygotes.

Submission:

Labcorp Genetics (formerly Invitae), Labcorp
Classification: Uncertain significance for Neuropathy, hereditary sensory and autonomic, type 1C. Last evaluated: 2024-08-30. Review status: criteria provided, single submitter. Criteria: Invitae Variant Classification Sherloc (09022015). Collection method: clinical testing. Allele origin: germline.
Comment: This sequence change replaces alanine, which is neutral and non-polar, with valine, which is neutral and non-polar, at codon 34 of the SPTLC2 protein (p.Ala34Val). This variant is present in population databases (no rsID available, gnomAD 0.03%). This variant has not been reported in the literature in individuals affected with SPTLC2-related conditions. An algorithm developed to predict the effect of missense changes on protein structure and function (PolyPhen-2) suggests that this variant is likely to be tolerated. In summary, the available evidence is currently insufficient to determine the role of this variant in disease. Therefore, it has been classified as a Variant of Uncertain Significance.

NM_004863.4(SPTLC2):c.101C>T (p.Ala34Val)

Gene: SPTLC2 (serine palmitoyltransferase long chain base subunit 2; minus strand). Cytogenetic location: 14q24.3.
Variant type: single nucleotide variant.
Coding change: c.101C>T on transcript NM_004863.4 (MANE Select); coding-DNA position 101, C replaced by T.
Protein change: p.Ala34Val; replaces alanine 34 with valine.
Molecular consequence: missense variant.
Genome position (GRCh38, 1-based): chr14:77,616,479, G>A on the plus strand (C>T on the coding strand, the complement: SPTLC2 is on the minus strand). VCF-style: chr14-77616479-G-A. GRCh37 (hg19) VCF-style: chr14-78082822-G-A.
Other names: short protein forms A34V.
Identifiers: ClinVar variation 3708446 (VCV003708446.2).